The following is an entry in ClinVar:

NM_000629.3(IFNAR1):c.866C>T (p.Thr289Ile)

Gene: IFNAR1 (interferon alpha and beta receptor subunit 1; plus strand). Cytogenetic location: 21q22.11.
Variant type: single nucleotide variant.
Coding change: c.866C>T on transcript NM_000629.3 (MANE Select); coding-DNA position 866, C replaced by T.
Protein change: p.Thr289Ile; replaces threonine 289 with isoleucine.
Molecular consequence: missense variant.
Genome position (GRCh38, 1-based): chr21:33,349,168, C>T. VCF-style: chr21-33349168-C-T. GRCh37 (hg19) VCF-style: chr21-34721474-C-T.
Other names: c.866C>T, p.Thr289Ile (NM_001384498.1, NM_001384499.1, NM_001384503.1); c.104C>T, p.Thr35Ile (NM_001384500.1); c.851C>T, p.Thr284Ile (NM_001384501.1); c.404C>T, p.Thr135Ile (NM_001384502.1); c.659C>T, p.Thr220Ile (NM_001384504.1); c.866C>T (NM_000629.2); short protein forms T35I, T135I, T220I, T284I, T289I.
Identifiers: ClinVar variation 1371550 (VCV001371550.5), dbSNP rs141681155, ClinGen allele CA10006605.

ClinVar aggregate classification (germline): Conflicting classifications of pathogenicity. Review status: criteria provided, conflicting classifications (1 of 4 stars). 3 submissions from 3 submitters: Uncertain significance (2); Likely benign (1). Last evaluated 2024-11-01.

Conditions:
IFNAR1-related disorder. Also called: IFNAR1-related condition.

Allele frequency attached by ClinVar (database versions not stated): TOPMed 0.00022; gnomAD 0.00035; ESP Exome Variant Server 0.00038; gnomAD exomes 0.00049 and 0.00055; ExAC 0.00068.
gnomAD v4.1: 754 of 1,612,594 alleles (0.047%); highest among the groups gnomAD compares: Non-Finnish European, 0.054%; 1 homozygote.

Submissions (3):

PreventionGenetics, part of Exact Sciences
Classification: Likely benign for IFNAR1-related condition. Last evaluated: 2024-11-01. Review status: criteria provided, single submitter. Criteria: ACMG Guidelines, 2015. Collection method: clinical testing. Allele origin: germline.
Comment: This variant is classified as likely benign based on ACMG/AMP sequence variant interpretation guidelines (Richards et al. 2015 PMID: 25741868, with internal and published modifications).

Ambry Genetics
Classification: Uncertain significance. Last evaluated: 2022-10-26. Review status: criteria provided, single submitter. Criteria: Ambry Variant Classification Scheme 2023. Collection method: clinical testing. Allele origin: germline.

Labcorp Genetics (formerly Invitae), Labcorp
Classification: Uncertain significance. Last evaluated: 2022-08-21. Review status: criteria provided, single submitter. Criteria: Invitae Variant Classification Sherloc (09022015). Collection method: clinical testing. Allele origin: germline.
Comment: This sequence change replaces threonine, which is neutral and polar, with isoleucine, which is neutral and non-polar, at codon 289 of the IFNAR1 protein (p.Thr289Ile). This variant is present in population databases (rs141681155, gnomAD 0.2%), and has an allele count higher than expected for a pathogenic variant. This variant has not been reported in the literature in individuals affected with IFNAR1-related conditions. ClinVar contains an entry for this variant (Variation ID: 1371550). Algorithms developed to predict the effect of missense changes on protein structure and function are either unavailable or do not agree on the potential impact of this missense change (SIFT: "Tolerated"; PolyPhen-2: "Possibly Damaging"; Align-GVGD: "Class C0"). In summary, the available evidence is currently insufficient to determine the role of this variant in disease. Therefore, it has been classified as a Variant of Uncertain Significance.